The following is an entry in ClinVar:

NM_152564.5(VPS13B):c.2013+2341_2166del

Gene: VPS13B (vacuolar protein sorting 13 homolog B; plus strand). Cytogenetic location: 8q22.2.
Variant type: Deletion.
Coding change: c.2013+2341_2166del on transcript NM_152564.5 (MANE Select); 2341 bases into the intron after coding-DNA position 2013 through coding-DNA position 2166, 6,351 bases deleted.
Molecular consequence: splice acceptor variant.
Genome position (GRCh38, 1-based): chr8:99,150,351-99,156,701, 6,351 bases deleted. GRCh37 (hg19): chr8:100,162,579-100,168,929.
Other names: c.2013+2341_2166del (NM_017890.5, NM_015243.3).
Identifiers: ClinVar variation 951757 (VCV000951757.1), ClinGen allele CA1139660684.

ClinVar aggregate classification (germline): Likely pathogenic (1 of 4 stars; one submission).

Conditions:
Cohen syndrome (COH1). Also called: PEPPER SYNDROME; Cutis verticis gyrata, retinitis pigmentosa, and sensorineural deafness. Identifiers: Orphanet 193, MedGen C0265223, MONDO:0008999, OMIM 216550.

Submission:

Labcorp Genetics (formerly Invitae), Labcorp
Classification: Likely pathogenic for Cohen syndrome. Last evaluated: 2019-08-05. Review status: criteria provided, single submitter. Criteria: Invitae Variant Classification Sherloc (09022015). Collection method: clinical testing. Allele origin: germline.
Comment: This variant is a deletion of the genomic region encompassing part of exon 15 (c.2013+2341_2166delinsG) of the VPS13B gene. It is expected to disrupt RNA splicing and likely results in an absent or disrupted protein product. This variant has not been reported in the literature in individuals with VPS13B-related conditions. Loss-of-function variants in VPS13B are known to be pathogenic (PMID: 15141358, 16648375, 20461111). In summary, the currently available evidence indicates that the variant is pathogenic, but additional data are needed to prove that conclusively. Therefore, this variant has been classified as Likely Pathogenic.